The following is an entry in ClinVar:

ClinVar aggregate classification (germline): Uncertain significance (1 of 4 stars; one submission).

Allele frequency attached by ClinVar (database versions not stated): ExAC 0.00001; gnomAD 0.00001; TOPMed 0.00001.
gnomAD v4.1: 4 of 1,613,732 alleles (0.00025%); highest among the groups gnomAD compares: African/African-American, 0.0027%; no homozygotes.

Submission:

Labcorp Genetics (formerly Invitae), Labcorp
Classification: Uncertain significance. Last evaluated: 2022-03-12. Review status: criteria provided, single submitter. Criteria: Invitae Variant Classification Sherloc (09022015). Collection method: clinical testing. Allele origin: germline.
Comment: In summary, the available evidence is currently insufficient to determine the role of this variant in disease. Therefore, it has been classified as a Variant of Uncertain Significance. Algorithms developed to predict the effect of missense changes on protein structure and function are either unavailable or do not agree on the potential impact of this missense change (SIFT: "Deleterious"; PolyPhen-2: "Probably Damaging"; Align-GVGD: "Class C15"). This variant has not been reported in the literature in individuals affected with LTBP2-related conditions. This variant is present in population databases (rs370997941, gnomAD 0.007%). This sequence change replaces histidine, which is basic and polar, with glutamine, which is neutral and polar, at codon 1550 of the LTBP2 protein (p.His1550Gln).

NM_000428.3(LTBP2):c.4650C>A (p.His1550Gln)

Gene: LTBP2 (latent transforming growth factor beta binding protein 2; minus strand). Cytogenetic location: 14q24.3.
Variant type: single nucleotide variant.
Coding change: c.4650C>A on transcript NM_000428.3 (MANE Select); coding-DNA position 4650, C replaced by A.
Protein change: p.His1550Gln; replaces histidine 1550 with glutamine.
Molecular consequence: missense variant.
Genome position (GRCh38, 1-based): chr14:74,503,539, G>T on the plus strand (C>A on the coding strand, the complement: LTBP2 is on the minus strand). VCF-style: chr14-74503539-G-T. GRCh37 (hg19) VCF-style: chr14-74970242-G-T.
Other names: short protein forms H1550Q.
Identifiers: ClinVar variation 2098969 (VCV002098969.2), dbSNP rs370997941, ClinGen allele CA7268688.